The following is an entry in ClinVar:

ClinVar aggregate classification (germline): Conflicting classifications of pathogenicity. Review status: criteria provided, conflicting classifications (1 of 4 stars). 3 submissions from 3 submitters: Uncertain significance (1); Likely benign (1). 1 of the submissions does not count toward it. Last evaluated 2024-08-26.

Conditions:
HEMOGLOBIN HIKARI.

Submissions (3):

ARUP Laboratories, Molecular Genetics and Genomics, ARUP Laboratories
Classification: Likely benign. Last evaluated: 2024-08-26. Review status: criteria provided, single submitter. Criteria: ARUP Molecular Germline Variant Investigation Process 2024. Collection method: clinical testing. Allele origin: germline.
Comment: The Hb Hikari (HBB: c.186G>C; p.Lys62Asn, also known as Lys61Asn when numbered from the mature protein; rs34446260, HbVar ID: 354) is reported in the literature in the heterozygous state in individuals without reported hematological abnormalities (Nakatsuji 1981, HbVar and references therein). This variant is reported in ClinVar (Variation ID: 15196) and is absent from the Genome Aggregation Database, indicating it is not a common polymorphism. The lysine at codon 62 is moderately conserved, and computational analyses are uncertain whether this variant is neutral or deleterious (REVEL: 0.622). Further, functional analyses indicate that the variant protein is stable and exhibits normal oxygen-binding properties (Nakatsuji 1981). Based on available information, the Hb Hikari variant is considered to be likely benign. References: Link to HbVar database: Nakatsuji T et al. A further example of hemoglobin Hikari (beta 61[E5] Lys replaced by Asn). Hemoglobin. 1981;5(5):487-92. PMID: 6792159.

Women's Health and Genetics/Laboratory Corporation of America, LabCorp
Classification: Uncertain significance. Last evaluated: 2023-05-01. Review status: criteria provided, single submitter. Criteria: LabCorp Variant Classification Summary - May 2015. Collection method: clinical testing. Allele origin: germline.
Comment: Variant summary: HBB c.186G>C (p.Lys62Asn) results in a non-conservative amino acid change located in the Globin (IPR000971) of the encoded protein sequence. Four of five in-silico tools predict a damaging effect of the variant on protein function. The variant was absent in 251438 control chromosomes. The available data on variant occurrences in the general population are insufficient to allow any conclusion about variant significance. To our knowledge, no occurrence of c.186G>C in individuals affected with Hemoglobinopathy and no experimental evidence demonstrating its impact on protein function have been reported. Two clinical diagnostic laboratories have submitted clinical-significance assessments for this variant to ClinVar after 2014 without evidence for independent evaluation. One laboratory classified the variant as likely benign and another as VUS. Based on the evidence outlined above, the variant was classified as uncertain significance.

OMIM
Classification: other for HEMOGLOBIN HIKARI. Last evaluated: 2017-12-12. Review status: no assertion criteria provided. Collection method: literature only. Allele origin: germline. Not counted in ClinVar's aggregate classification.

Literature cited by the submitters: Shibata, S., Iuchi, I., Hamilton, H. B. The first instance of hemoglobin E in a Japanese family. Proc. Jpn. Acad. 40: 846-851, 1962. (cited by OMIM); PubMed 13911808 (cited by OMIM).

NM_000518.5(HBB):c.186G>C (p.Lys62Asn)

Genes: HBB (hemoglobin subunit beta; minus strand), LOC106099062 (HBB recombination region; plus strand), LOC107133510 (origin of replication at HBB; plus strand). Cytogenetic location: 11p15.4.
Variant type: single nucleotide variant.
Coding change: c.186G>C on transcript NM_000518.5 (MANE Select); coding-DNA position 186, G replaced by C.
Protein change: p.Lys62Asn; replaces lysine 62 with asparagine.
Molecular consequence: missense variant.
Genome position (GRCh38, 1-based): chr11:5,226,706, C>G on the plus strand (G>C on the coding strand, the complement: HBB is on the minus strand). VCF-style: chr11-5226706-C-G. GRCh37 (hg19) VCF-style: chr11-5247936-C-G.
Other names: K61N; c.186G>C (NM_000518.4); short protein forms K62N.
Identifiers: ClinVar variation 15196 (VCV000015196.16), dbSNP rs34446260, ClinGen allele CA124902.